The following is an entry in ClinVar:

ClinVar aggregate classification (germline): Uncertain significance (1 of 4 stars; one submission).

Conditions:
Cardiovascular phenotype. Identifiers: MedGen CN230736.

Submission:

Ambry Genetics
Classification: Uncertain significance for Cardiovascular phenotype. Last evaluated: 2025-06-28. Review status: criteria provided, single submitter. Criteria: Ambry Variant Classification Scheme 2023. Collection method: clinical testing. Allele origin: germline.
Comment: The p.M1221I variant (also known as c.3663G>C), located in coding exon 23 of the APOB gene, results from a G to C substitution at nucleotide position 3663. The methionine at codon 1221 is replaced by isoleucine, an amino acid with highly similar properties. This amino acid position is conserved. In addition, this alteration is predicted to be tolerated by in silico analysis. Based on the available evidence, the clinical significance of this variant remains unclear.

NM_000384.3(APOB):c.3663G>C (p.Met1221Ile)

Gene: APOB (apolipoprotein B; minus strand). Cytogenetic location: 2p24.1.
Variant type: single nucleotide variant.
Coding change: c.3663G>C on transcript NM_000384.3 (MANE Select); coding-DNA position 3663, G replaced by C.
Protein change: p.Met1221Ile; replaces methionine 1221 with isoleucine.
Molecular consequence: missense variant.
Genome position (GRCh38, 1-based): chr2:21,015,106, C>G on the plus strand (G>C on the coding strand, the complement: APOB is on the minus strand). VCF-style: chr2-21015106-C-G. GRCh37 (hg19) VCF-style: chr2-21237978-C-G.
Other names: short protein forms M1221I.
Identifiers: ClinVar variation 4124922 (VCV004124922.1).